The following is an entry in ClinVar:

ClinVar aggregate classification (germline): Conflicting classifications of pathogenicity. Review status: criteria provided, conflicting classifications (1 of 4 stars). 2 submissions from 2 submitters: Likely pathogenic (1); Uncertain significance (1). Last evaluated 2023-12-02.

Conditions:
SMPD1-related disorder. Also called: SMPD1-related condition.
Niemann-Pick disease, type B. Also called: Chronic Visceral ASMD (Niemann-Pick Disease Type B; NPD-B). Identifiers: Orphanet 77293, MedGen C0268243, MONDO:0011871, OMIM 607616. Disease mechanism: loss of function.
Niemann-Pick disease, type A. Also called: Infantile Neurovisceral ASMD (Niemann-Pick Disease Type A; NPD-A); SPHINGOMYELIN LIPIDOSIS; SPHINGOMYELINASE DEFICIENCY. Identifiers: Orphanet 77292, MedGen C0268242, MONDO:0009756, OMIM 257200. Disease mechanism: loss of function.

Submissions (2):

Labcorp Genetics (formerly Invitae), Labcorp
Classification: Likely pathogenic for Niemann-Pick disease, type B; Niemann-Pick disease, type A. Last evaluated: 2023-12-02. Review status: criteria provided, single submitter. Criteria: Invitae Variant Classification Sherloc (09022015). Collection method: clinical testing. Allele origin: germline.
Comment: This sequence change replaces proline, which is neutral and non-polar, with histidine, which is basic and polar, at codon 332 of the SMPD1 protein (p.Pro332His). This variant is present in population databases (rs202081954, gnomAD 0.004%). This variant has not been reported in the literature in individuals affected with SMPD1-related conditions. ClinVar contains an entry for this variant (Variation ID: 2155669). Advanced modeling of protein sequence and biophysical properties (such as structural, functional, and spatial information, amino acid conservation, physicochemical variation, residue mobility, and thermodynamic stability) performed at Invitae indicates that this missense variant is expected to disrupt SMPD1 protein function with a positive predictive value of 95%. This variant disrupts the p.Pro332 amino acid residue in SMPD1. Other variant(s) that disrupt this residue have been determined to be pathogenic (PMID: 15545621, 17011332; Invitae). This suggests that this residue is clinically significant, and that variants that disrupt this residue are likely to be disease-causing. In summary, the currently available evidence indicates that the variant is pathogenic, but additional data are needed to prove that conclusively. Therefore, this variant has been classified as Likely Pathogenic.

PreventionGenetics, part of Exact Sciences
Classification: Uncertain significance for SMPD1-related condition. Last evaluated: 2023-02-01. Review status: criteria provided, single submitter. Criteria: ACMG Guidelines, 2015. Collection method: clinical testing. Allele origin: germline.
Comment: The SMPD1 c.995C>A variant is predicted to result in the amino acid substitution p.Pro332His. This variant, and other variants at the same amino acid (p.Pro332Arg and p.Pro332Leu), have been reported in both cases and controls from Parkinson disease case-control studies (Supplementary Table 3 in Zhao et al. 2021. PubMed ID: 34867278; Supplementary Table 3 in Robak et al. 2017. PubMed ID: 29140481). This variant is reported in 0.0046% of alleles in individuals of European (Non-Finnish) descent in gnomAD. At this time, the clinical significance of this variant is uncertain due to the absence of conclusive functional and genetic evidence.

Literature cited by the submitters: PubMed 15545621 (cited by Labcorp Genetics (formerly Invitae), Labcorp); PubMed 17011332 (cited by Labcorp Genetics (formerly Invitae), Labcorp).

NM_000543.5(SMPD1):c.995C>A (p.Pro332His)

Gene: SMPD1 (sphingomyelin phosphodiesterase 1; plus strand). Cytogenetic location: 11p15.4.
Variant type: single nucleotide variant.
Coding change: c.995C>A on transcript NM_000543.5 (MANE Select); coding-DNA position 995, C replaced by A.
Protein change: p.Pro332His; replaces proline 332 with histidine.
Molecular consequence: missense variant. On other transcripts: non-coding transcript variant (1).
Genome position (GRCh38, 1-based): chr11:6,392,060, C>A. VCF-style: chr11-6392060-C-A. GRCh37 (hg19) VCF-style: chr11-6413290-C-A.
Other names: c.995C>A, p.Pro332His (NM_001318087.2, NM_001365135.2); c.34C>A, p.Pro12Thr (NM_001318088.2); c.995C>A (NM_000543.4); c.992C>A, p.Pro331His (NM_001007593.3); short protein forms P12T, P332H, P331H.
Identifiers: ClinVar variation 2155669 (VCV002155669.5), dbSNP rs202081954, ClinGen allele CA5852725.